The following is an entry in ClinVar:

NM_001042492.3(NF1):c.1186-2A>G

Gene: NF1 (neurofibromin 1; plus strand). Cytogenetic location: 17q11.2.
Variant type: single nucleotide variant.
Coding change: c.1186-2A>G on transcript NM_001042492.3 (MANE Select); the canonical splice acceptor site of the intron before coding-DNA position 1186, A replaced by G.
Molecular consequence: splice acceptor variant.
Genome position (GRCh38, 1-based): chr17:31,201,409, A>G. VCF-style: chr17-31201409-A-G. GRCh37 (hg19) VCF-style: chr17-29528427-A-G.
Other names: c.1186-2A>G (NM_000267.4, NM_001128147.3).
Identifiers: ClinVar variation 1173030 (VCV001173030.11), dbSNP rs1373365576, ClinGen allele CA398997400.

ClinVar aggregate classification (germline): Pathogenic/Likely pathogenic. Review status: criteria provided, multiple submitters, no conflicts (2 of 4 stars). 3 submissions from 3 submitters: Pathogenic (2); Likely pathogenic (1). Last evaluated 2024-03-11.

Conditions:
Neurofibromatosis, type 1 (NF1). Also called: Peripheral type neurofibromatosis; Neurofibromatosis, type I; VON RECKLINGHAUSEN DISEASE; NEUROFIBROMATOSIS, TYPE I, SOMATIC. Identifiers: Orphanet 636, MedGen C0027831, MONDO:0018975, OMIM 162200. Disease mechanism: loss of function.

Submissions (3):

Labcorp Genetics (formerly Invitae), Labcorp
Classification: Likely pathogenic for Neurofibromatosis, type 1. Last evaluated: 2024-03-11. Review status: criteria provided, single submitter. Criteria: Invitae Variant Classification Sherloc (09022015). Collection method: clinical testing. Allele origin: germline.
Comment: This sequence change affects an acceptor splice site in intron 10 of the NF1 gene. RNA analysis indicates that disruption of this splice site induces altered splicing and likely results in the loss of 5 amino acid residue(s), but is expected to preserve the integrity of the reading-frame. This variant is not present in population databases (gnomAD no frequency). Disruption of this splice site has been observed in individual(s) with neurofibromatosis type 1 (PMID: 31766501; Invitae). ClinVar contains an entry for this variant (Variation ID: 1173030). Studies have shown that disruption of this splice site results in the activation of a cryptic splice site in exon 11 (PMID: 31766501). In summary, the currently available evidence indicates that the variant is pathogenic, but additional data are needed to prove that conclusively. Therefore, this variant has been classified as Likely Pathogenic.

GeneDx
Classification: Pathogenic. Last evaluated: 2023-10-27. Review status: criteria provided, single submitter. Criteria: GeneDx Variant Classification Process June 2021. Collection method: clinical testing. Allele origin: germline. Affected: yes.
Comment: Canonical splice site variant predicted to result in an in-frame loss of the adjacent exon in a gene for which loss of function is a known mechanism of disease; Deletions involving coding exons of this gene are a known mechanism of disease (HGMD); Reported in an individual with NF1 and pseudoarthrosis of the tibia in published literature (PMID: 31066482); Not observed at significant frequency in large population cohorts (gnomAD); This variant is associated with the following publications: (PMID: 24077912, 31066482)

Genome-Nilou Lab
Classification: Pathogenic for Neurofibromatosis, type 1. Last evaluated: 2022-03-15. Review status: criteria provided, single submitter. Criteria: ACMG Guidelines, 2015. Collection method: clinical testing. Allele origin: germline. Affected: no.

Literature cited by the submitters: PubMed 31766501 (cited by Labcorp Genetics (formerly Invitae), Labcorp).